The following is an entry in ClinVar:

ClinVar aggregate classification (germline): Uncertain significance (1 of 4 stars; one submission).

Submission:

GeneDx
Classification: Uncertain significance. Last evaluated: 2026-02-21. Review status: criteria provided, single submitter. Criteria: GeneDx Variant Classification Process June 2021. Collection method: clinical testing. Allele origin: germline.
Comment: Not observed at significant frequency in large population cohorts (gnomAD); In silico analysis supports that this missense variant has a deleterious effect on protein structure/function; Has not been previously published as pathogenic or benign to our knowledge

NM_001348768.2(HECW2):c.64A>C (p.Thr22Pro)

Gene: HECW2 (HECT, C2 and WW domain containing E3 ubiquitin protein ligase 2; minus strand). Cytogenetic location: 2q32.3.
Variant type: single nucleotide variant.
Coding change: c.64A>C on transcript NM_001348768.2 (MANE Select); coding-DNA position 64, A replaced by C.
Protein change: p.Thr22Pro; replaces threonine 22 with proline.
Molecular consequence: missense variant.
Genome position (GRCh38, 1-based): chr2:196,433,360, T>G on the plus strand (A>C on the coding strand, the complement: HECW2 is on the minus strand). VCF-style: chr2-196433360-T-G. GRCh37 (hg19) VCF-style: chr2-197298084-T-G.
Other names: c.64A>C, p.Thr22Pro (NM_020760.4); short protein forms T22P.
Identifiers: ClinVar variation 5009918 (VCV005009918.1).